The following is an entry in ClinVar:

NM_014727.3(KMT2B):c.4667C>T (p.Pro1556Leu)

Gene: KMT2B (lysine methyltransferase 2B; plus strand). Cytogenetic location: 19q13.12.
Variant type: single nucleotide variant.
Coding change: c.4667C>T on transcript NM_014727.3 (MANE Select); coding-DNA position 4667, C replaced by T.
Protein change: p.Pro1556Leu; replaces proline 1556 with leucine.
Molecular consequence: missense variant.
Genome position (GRCh38, 1-based): chr19:35,728,869, C>T. VCF-style: chr19-35728869-C-T. GRCh37 (hg19) VCF-style: chr19-36219770-C-T.
Other names: short protein forms P1556L.
Identifiers: ClinVar variation 4996149 (VCV004996149.1).

ClinVar aggregate classification (germline): Uncertain significance (1 of 4 stars; one submission).

Conditions:
KMT2B-related disorder. Also called: KMT2B-related disorders; KMT2B-related condition. Identifiers: MedGen CN381338.

gnomAD v4.1: 1 of 1,613,924 alleles (0.000062%); highest among the groups gnomAD compares: South Asian, 0.0011%; no homozygotes.

Submission:

PreventionGenetics, part of Exact Sciences
Classification: Uncertain significance for KMT2B-related condition. Last evaluated: 2026-06-28. Review status: criteria provided, single submitter. Criteria: ACMG Guidelines, 2015. Collection method: clinical testing. Allele origin: germline.
Comment: The KMT2B c.4667C>T variant is predicted to result in the amino acid substitution p.Pro1556Leu. To our knowledge, this variant has not been reported in the literature. This variant is absent from one large public population database (gnomAD), indicating that this variant is rare. At this time, the clinical significance of this variant is uncertain due to the absence of conclusive functional and genetic evidence.